The following is an entry in ClinVar:

ClinVar aggregate classification (germline): Likely pathogenic. Review status: reviewed by expert panel (3 of 4 stars). 7 submissions from 7 submitters: Likely pathogenic (1). 6 of the submissions do not count toward it. Last evaluated 2024-10-11.

Conditions:
Hereditary factor VIII deficiency disease (HEMA). Also called: HEMOPHILIA, CLASSIC; Hemophilia A; AUTOSOMAL HEMOPHILIA A; Hemophilia A, congenital; HEM A; Factor 8 deficiency, congenital. Identifiers: Orphanet 98878, MedGen C0019069, MONDO:0010602, OMIM 306700.
Thrombophilia, X-linked, due to factor 8 defect. Also called: Thrombophilia 13, X-linked, due to factor VIII defect; THROMBOPHILIA, X-LINKED, DUE TO FACTOR VIII DEFECT. Identifiers: MedGen C5676879, MONDO:0859082, OMIM 301071.

Submissions (7):

ClinGen Coagulation Factor Deficiency Variant Curation Expert Panel, Clingen
Classification: Likely pathogenic for Hereditary factor VIII deficiency disease. Last evaluated: 2024-10-11. Review status: reviewed by expert panel. Criteria: ClinGen CoagFactor ACMG Specifications F8 V1.0.0. Collection method: curation. Allele origin: germline. Inheritance: X-linked inheritance.
Comment: The c.5186G>A variant in F8 is a missense variant predicted to cause substitution of glycine by glutamic acid at amino acid 1729 (p.Gly1729Glu). This variant is absent from males in population databases (gnomAD v2.1.1/gnomAD v3). The missense variant has a REVEL score of 0.861 (>0.6), meeting criteria for PP3. This variant has been reported in at least 5 patients with mild hemophilia A and type 2N VWD has been ruled out via sequencing of VWF exons 17–20 and 24–27 in at least 1 proband (PMID: 21883705, PMID: 19719828, PMID: 21592259, internal laboratory data). This variant was found to co-segregate with disease in affected family members, with 2 meioses observed in a family (PMID:21592259). In summary, this variant meets criteria to be classified as likely pathogenic. ACMG/AMP criteria applied, as specified by the Coagulation Factor Deficiency Variant Curation Expert Panel for F8: PS4, PP4_moderate, PP3, PP1, PM2_Supporting. Variant Interpretation Guidelines for F8 Version 1.0.0., Released 10/5/2023).

Women's Health and Genetics/Laboratory Corporation of America, LabCorp
Classification: Likely pathogenic for Hereditary factor VIII deficiency disease. Last evaluated: 2025-09-26. Review status: criteria provided, single submitter. Criteria: LabCorp Variant Classification Summary - May 2015. Collection method: clinical testing. Allele origin: germline. Not counted in ClinVar's aggregate classification.
Comment: Variant summary: F8 c.5186G>A (p.Gly1729Glu) results in a non-conservative amino acid change in the encoded protein sequence. Algorithms developed to predict the effect of missense changes on protein structure and function all suggest that this variant is likely to be disruptive. The variant was absent in 182926 control chromosomes (gnomAD). c.5186G>A has been observed in individuals affected with Factor VIII Deficiency (Hemophilia A)(e.g., Castaman_2009, Eckhardt_2013). These data indicate that the variant is likely to be associated with disease. To our knowledge, no experimental evidence demonstrating an impact on protein function has been reported. The following publications have been ascertained in the context of this evaluation (PMID: 19719828, 23926300). ClinVar contains an entry for this variant (Variation ID: 439677). Based on the evidence outlined above, the variant was classified as likely pathogenic.

Variantyx, Inc.
Classification: Likely pathogenic for Hereditary factor VIII deficiency disease. Last evaluated: 2025-05-11. Review status: criteria provided, single submitter. Criteria: Variantyx Assertion Criteria 2022. Collection method: clinical testing. Allele origin: maternal. Inheritance: X-linked recessive inheritance. Not counted in ClinVar's aggregate classification.
Comment: This is a nonsynonymous variant in the F8 gene (OMIM: 300841). Pathogenic variants in this gene have been associated with X-linked hemophilia A. This variant has been reported in several unrelated affected individuals (PMID: 19719828, 21592259) (PS4), and is absent from control populations (PM2). Multiple computational algorithms predict a deleterious effect (REVEL score: 0.861) (PP3). Other reputable laboratories have reported this variant as pathogenic or likely pathogenic, and this classification has been validated by an expert panel in ClinVar (PP5). Based on the current evidence, this variant is classified as likely pathogenic for X-linked hemophilia A.

Mayo Clinic Laboratories, Mayo Clinic
Classification: Likely pathogenic. Last evaluated: 2025-05-07. Review status: criteria provided, single submitter. Criteria: ACMG Guidelines, 2015. Collection method: clinical testing. Allele origin: germline. Observed: 2 variant alleles. Not counted in ClinVar's aggregate classification.
Comment: PP3_moderate, PP5, PM1_supporting, PM2_supporting, PS4

Fulgent Genetics
Classification: Likely pathogenic for Thrombophilia, X-linked, due to factor 8 defect; Hereditary factor VIII deficiency disease. Last evaluated: 2024-01-29. Review status: criteria provided, single submitter. Criteria: ACMG Guidelines, 2015. Collection method: clinical testing. Allele origin: germline. Not counted in ClinVar's aggregate classification.

GeneDx
Classification: Uncertain significance. Last evaluated: 2023-12-20. Review status: criteria provided, single submitter. Criteria: GeneDx Variant Classification Process June 2021. Collection method: clinical testing. Allele origin: germline. Affected: yes. Not counted in ClinVar's aggregate classification.
Comment: Not observed at significant frequency in large population cohorts (gnomAD); In silico analysis supports that this missense variant has a deleterious effect on protein structure/function; This variant is associated with the following publications: (PMID: 21883705, 19719828)

ARUP Laboratories, Molecular Genetics and Genomics, ARUP Laboratories
Classification: Pathogenic. Last evaluated: 2023-10-20. Review status: criteria provided, single submitter. Criteria: ARUP Molecular Germline Variant Investigation Process 2024. Collection method: clinical testing. Allele origin: germline. Not counted in ClinVar's aggregate classification.
Comment: The F8 c.5186G>A; p.Gly1729Glu variant (also known as Gly1710Glu) has been reported in the literature in multiple individuals with mild hemophilia A (Castaman 2009, Lannoy 2012). This variant is also reported in ClinVar (Variation ID: 439677) and is absent from the Genome Aggregation Database, indicating it is not a common polymorphism. Computational analyses predict that this variant is deleterious (REVEL: 0.861). Taken together, this variant is considered pathogenic. References: Castaman G et al. Molecular and phenotypic determinants of the response to desmopressin in adult patients with mild hemophilia A. J Thromb Haemost. 2009 Nov;7(11):1824-31. PMID: 19719828. Lannoy N et al. Computational and molecular approaches for predicting unreported causal missense mutations in Belgian patients with haemophilia A. Haemophilia. 2012 May;18(3):e331-9. PMID: 21883705.

Literature cited by the submitters: PubMed 23926300 (cited by Women's Health and Genetics/Laboratory Corporation of America, LabCorp and Mayo Clinic Laboratories, Mayo Clinic); PubMed 19719828 (cited by 3 submitters); PubMed 21592259 (cited by Variantyx, Inc. and Mayo Clinic Laboratories, Mayo Clinic); PubMed 21883705 (cited by Mayo Clinic Laboratories, Mayo Clinic).

NM_000132.4(F8):c.5186G>A (p.Gly1729Glu)

Gene: F8 (coagulation factor VIII; minus strand). Cytogenetic location: Xq28.
Variant type: single nucleotide variant.
Coding change: c.5186G>A on transcript NM_000132.4 (MANE Select); coding-DNA position 5186, G replaced by A.
Protein change: p.Gly1729Glu; replaces glycine 1729 with glutamic acid.
Molecular consequence: missense variant.
Genome position (GRCh38, 1-based): chrX:154,928,604, C>T on the plus strand (G>A on the coding strand, the complement: F8 is on the minus strand). VCF-style: chrX-154928604-C-T. GRCh37 (hg19) VCF-style: chrX-154156879-C-T.
Other names: NM_000132.4(F8):c.5186G>A; short protein forms G1729E.
Identifiers: ClinVar variation 439677 (VCV000439677.17), dbSNP rs1557278259, ClinGen allele CA414913556.
Genomic context (GRCh38, chrX:154,928,604, plus strand): 5'-GCAAAGGAATAACCAATGCATTCATACCTGTTTCTTAGAACATGTGGGGAGCTACTCATC[C>T]CATAATCCCAGAGCCTCTCCACTGCAGCAATAAAATAGTGTCGTGTTTTCTTTTGAAAGC-3'
Protein context (NP_000123.1, residues 1719-1739): IAAVERLWDY[Gly1729Glu]MSSSPHVLRN